The following is an entry in ClinVar:

NM_000531.6(OTC):c.513G>C (p.Gln171His)

Gene: OTC (ornithine transcarbamylase; plus strand). Cytogenetic location: Xp11.4.
Variant type: single nucleotide variant.
Coding change: c.513G>C on transcript NM_000531.6 (MANE Select); coding-DNA position 513, G replaced by C.
Protein change: p.Gln171His; replaces glutamine 171 with histidine.
Molecular consequence: missense variant.
Genome position (GRCh38, 1-based): chrX:38,401,401, G>C. VCF-style: chrX-38401401-G-C. GRCh37 (hg19) VCF-style: chrX-38260654-G-C.
Other names: c.513G>C, p.Gln171His (NM_001407092.1); short protein forms Q171H.
Identifiers: ClinVar variation 4849564 (VCV004849564.1).

ClinVar aggregate classification (germline): Likely pathogenic (1 of 4 stars; one submission).

Conditions:
Ornithine carbamoyltransferase deficiency (OTCD). Also called: OTC DEFICIENCY; Ornithine Carbamoyltransferase Deficiency Disease; ORNITHINE TRANSCARBAMYLASE DEFICIENCY; ORNITHINE TRANSCARBAMYLASE DEFICIENCY, HYPERAMMONEMIA DUE TO. Identifiers: Orphanet 664, MedGen C0268542, MONDO:0010703, OMIM 311250.

Submission:

Department of Precision Medicine, Korea National Institute of Health
Classification: Likely pathogenic for Ornithine carbamoyltransferase deficiency. Last evaluated: 2026-04-29. Review status: criteria provided, single submitter. Criteria: ACMG Guidelines, 2015. Collection method: research. Allele origin: maternal. Affected: yes. Observed: 1 variant allele.
Comment: PM1 (Hot-spot of length 17 amino-acids has 40 missense/in-frame variants), PP3 (MetaRNN = 0.989), PM2 (Variant not found in gnomAD)